The following is an entry in ClinVar:

NM_016219.5(MAN1B1):c.561A>C (p.Lys187Asn)

Gene: MAN1B1 (mannosidase alpha class 1B member 1; plus strand). Cytogenetic location: 9q34.3.
Variant type: single nucleotide variant.
Coding change: c.561A>C on transcript NM_016219.5 (MANE Select); coding-DNA position 561, A replaced by C.
Protein change: p.Lys187Asn; replaces lysine 187 with asparagine.
Molecular consequence: missense variant. On other transcripts: non-coding transcript variant (2).
Genome position (GRCh38, 1-based): chr9:137,096,332, A>C. VCF-style: chr9-137096332-A-C. GRCh37 (hg19) VCF-style: chr9-139990784-A-C.
Other names: short protein forms K187N.
Identifiers: ClinVar variation 1345318 (VCV001345318.8), dbSNP rs534967836, ClinGen allele CA5358683.

ClinVar aggregate classification (germline): Uncertain significance (1 of 4 stars; one submission).

Conditions:
Rafiq syndrome (RAFQS). Identifiers: Orphanet 88616, MedGen C3280127, MONDO:0013624, OMIM 614202.

Allele frequency attached by ClinVar (database versions not stated): gnomAD exomes below 0.00001 and 0.00001; ExAC 0.00001; gnomAD 0.00001; 1000 Genomes Project 30x 0.00016; 1000 Genomes Project 0.00020.
gnomAD v4.1: 2 of 1,614,040 alleles (0.00012%); highest among the groups gnomAD compares: East Asian, 0.0045%; no homozygotes.

Submission:

Labcorp Genetics (formerly Invitae), Labcorp
Classification: Uncertain significance for Rafiq syndrome. Last evaluated: 2021-07-12. Review status: criteria provided, single submitter. Criteria: Invitae Variant Classification Sherloc (09022015). Collection method: clinical testing. Allele origin: germline.
Comment: This sequence change replaces lysine with asparagine at codon 187 of the MAN1B1 protein (p.Lys187Asn). The lysine residue is weakly conserved and there is a moderate physicochemical difference between lysine and asparagine. This variant is present in population databases (rs534967836, ExAC 0.01%). This variant has not been reported in the literature in individuals affected with MAN1B1-related conditions. Algorithms developed to predict the effect of missense changes on protein structure and function (SIFT, PolyPhen-2, Align-GVGD) all suggest that this variant is likely to be tolerated. In summary, the available evidence is currently insufficient to determine the role of this variant in disease. Therefore, it has been classified as a Variant of Uncertain Significance.